The following is an entry in ClinVar:

NM_006642.5(SDCCAG8):c.676-4A>G

Gene: SDCCAG8 (SHH signaling and ciliogenesis regulator SDCCAG8; plus strand). Cytogenetic location: 1q43.
Variant type: single nucleotide variant.
Coding change: c.676-4A>G on transcript NM_006642.5 (MANE Select); 4 bases into the intron before coding-DNA position 676, A replaced by G.
Molecular consequence: intron variant.
Genome position (GRCh38, 1-based): chr1:243,304,709, A>G. VCF-style: chr1-243304709-A-G. GRCh37 (hg19) VCF-style: chr1-243468011-A-G.
Other names: c.382-4A>G (NM_001350249.2); c.-602-4A>G (NM_001350251.2); c.772-4A>G (NM_001350248.2); c.-437-4A>G (NM_001350246.2); c.-325-4A>G (NM_001350247.2).
Identifiers: ClinVar variation 296909 (VCV000296909.14), dbSNP rs377256554, ClinGen allele CA1483400.

ClinVar aggregate classification (germline): Conflicting classifications of pathogenicity. Review status: criteria provided, conflicting classifications (1 of 4 stars). 4 submissions from 3 submitters: Uncertain significance (2); Likely benign (1). 1 of the submissions does not count toward it. Last evaluated 2024-10-13.

Conditions:
SDCCAG8-related disorder. Also called: SDCCAG8-Related Disorders; SDCCAG8-related condition.
Bardet-Biedl syndrome 16 (BBS16). Identifiers: Orphanet 110, MedGen C3889474, MONDO:0014444, OMIM 615993.
Senior-Loken syndrome 7 (SLSN7). Identifiers: Orphanet 3156, MedGen C3150877, MONDO:0013326, OMIM 613615.

Allele frequency attached by ClinVar (database versions not stated): gnomAD exomes below 0.00001; ExAC 0.00001; TOPMed 0.00002; gnomAD 0.00003; ESP Exome Variant Server 0.00008.
gnomAD v4.1: 9 of 1,506,260 alleles (0.0006%); highest among the groups gnomAD compares: South Asian, 0.0023%; no homozygotes.

Submissions (4):

Labcorp Genetics (formerly Invitae), Labcorp
Classification: Likely benign for Bardet-Biedl syndrome 16; Senior-Loken syndrome 7. Last evaluated: 2024-10-13. Review status: criteria provided, single submitter. Criteria: Invitae Variant Classification Sherloc (09022015). Collection method: clinical testing. Allele origin: germline.

Illumina Laboratory Services, Illumina
Classification: Uncertain significance for Senior-Loken syndrome 7. Last evaluated: 2018-01-13. Review status: criteria provided, single submitter. Criteria: ICSL Variant Classification Criteria 13 December 2019. Collection method: clinical testing. Allele origin: germline.

Illumina Laboratory Services, Illumina
Classification: Uncertain significance for Bardet-Biedl syndrome 16. Last evaluated: 2018-01-13. Review status: criteria provided, single submitter. Criteria: ICSL Variant Classification Criteria 13 December 2019. Collection method: clinical testing. Allele origin: germline.

PreventionGenetics, part of Exact Sciences
Classification: Likely benign for SDCCAG8-related condition. Last evaluated: 2022-12-26. Review status: no assertion criteria provided. Collection method: clinical testing. Allele origin: germline. Not counted in ClinVar's aggregate classification.
Comment: This variant is classified as likely benign based on ACMG/AMP sequence variant interpretation guidelines (Richards et al. 2015 PMID: 25741868, with internal and published modifications).